The following is an entry in ClinVar:

ClinVar aggregate classification (germline): Uncertain significance (1 of 4 stars; one submission).

Allele frequency attached by ClinVar (database versions not stated): TOPMed below 0.00001; 1000 Genomes Project 0.00020; gnomAD 0.00001; gnomAD exomes 0.00001; ExAC 0.00002; 1000 Genomes Project 30x 0.00016.
gnomAD v4.1: 13 of 1,610,102 alleles (0.00081%); highest among the groups gnomAD compares: South Asian, 0.0022%; no homozygotes.

Submission:

Labcorp Genetics (formerly Invitae), Labcorp
Classification: Uncertain significance. Last evaluated: 2023-05-22. Review status: criteria provided, single submitter. Criteria: Invitae Variant Classification Sherloc (09022015). Collection method: clinical testing. Allele origin: germline.
Comment: This sequence change replaces arginine, which is basic and polar, with histidine, which is basic and polar, at codon 379 of the KCNQ5 protein (p.Arg379His). This variant is present in population databases (rs577164847, gnomAD 0.003%). This variant has not been reported in the literature in individuals affected with KCNQ5-related conditions. Advanced modeling of protein sequence and biophysical properties (such as structural, functional, and spatial information, amino acid conservation, physicochemical variation, residue mobility, and thermodynamic stability) performed at Invitae indicates that this missense variant is expected to disrupt KCNQ5 protein function. In summary, the available evidence is currently insufficient to determine the role of this variant in disease. Therefore, it has been classified as a Variant of Uncertain Significance.

NM_019842.4(KCNQ5):c.1136G>A (p.Arg379His)

Gene: KCNQ5 (potassium voltage-gated channel subfamily Q member 5; plus strand). Cytogenetic location: 6q13.
Variant type: single nucleotide variant.
Coding change: c.1136G>A on transcript NM_019842.4 (MANE Select); coding-DNA position 1136, G replaced by A.
Protein change: p.Arg379His; replaces arginine 379 with histidine.
Molecular consequence: missense variant.
Genome position (GRCh38, 1-based): chr6:73,120,493, G>A. VCF-style: chr6-73120493-G-A. GRCh37 (hg19) VCF-style: chr6-73830216-G-A.
Other names: c.1136G>A, p.Arg379His (NM_001160130.2, NM_001160132.2, NM_001160133.2 and 1 more transcripts); short protein forms R379H.
Identifiers: ClinVar variation 3002126 (VCV003002126.3), dbSNP rs577164847, ClinGen allele CA3886912.